The following is an entry in ClinVar:

ClinVar aggregate classification (germline): Conflicting classifications of pathogenicity. Review status: criteria provided, conflicting classifications (1 of 4 stars). 4 submissions from 4 submitters: Uncertain significance (3); Likely benign (1). Last evaluated 2026-05-26.

Conditions:
Tuberous sclerosis syndrome (TSC). Also called: Tuberous sclerosis; Tuberous Sclerosis Complex. Identifiers: Orphanet 805, MedGen C0041341, MONDO:0001734.
Hereditary cancer-predisposing syndrome. Also called: Tumor predisposition; Neoplastic Syndromes, Hereditary; Hereditary neoplastic syndrome; Hereditary Cancer Syndrome. Identifiers: Orphanet 140162, MedGen C0027672, MeSH D009386, MONDO:0015356.
Tuberous sclerosis 1 (TSC1). Identifiers: Orphanet 805, MedGen C1854465, MONDO:0008612, OMIM 191100.

Allele frequency attached by ClinVar (database versions not stated): TOPMed below 0.00001; gnomAD 0.00001; gnomAD exomes below 0.00001.
gnomAD v4.1: 1 of 1,613,300 alleles (0.000062%); highest among the groups gnomAD compares: Non-Finnish European, 0.000085%; no homozygotes.

Submissions (4):

Ambry Genetics
Classification: Likely benign for Hereditary cancer-predisposing syndrome. Last evaluated: 2026-05-26. Review status: criteria provided, single submitter. Criteria: Ambry Variant Classification Scheme 2023. Collection method: clinical testing. Allele origin: germline.

Labcorp Genetics (formerly Invitae), Labcorp
Classification: Uncertain significance for Tuberous sclerosis 1. Last evaluated: 2026-01-30. Review status: criteria provided, single submitter. Criteria: Invitae Variant Classification Sherloc (09022015). Collection method: clinical testing. Allele origin: germline.
Comment: This sequence change falls in intron 19 of the TSC1 gene. It does not directly change the encoded amino acid sequence of the TSC1 protein. It affects a nucleotide within the consensus splice site. This variant is present in population databases (no rsID available, gnomAD 0.0009%). This variant has not been reported in the literature in individuals affected with TSC1-related conditions. ClinVar contains an entry for this variant (Variation ID: 850414). Variants that disrupt the consensus splice site are a relatively common cause of aberrant splicing (PMID: 17576681, 9536098). Studies have shown that this variant is associated with inconclusive levels of altered splicing (internal data). In summary, the available evidence is currently insufficient to determine the role of this variant in disease. Therefore, it has been classified as a Variant of Uncertain Significance.

All of Us Research Program, National Institutes of Health
Classification: Uncertain significance for Tuberous sclerosis syndrome. Last evaluated: 2023-10-23. Review status: criteria provided, single submitter. Criteria: ACMG Guidelines, 2015. Collection method: clinical testing. Allele origin: germline. Inheritance: Autosomal dominant inheritance. Observed: 1 variant allele, 1 heterozygote.
Comment: This variant causes an A to G nucleotide substitution at the +3 position of intron 19/22 of the TSC1 gene. Splice site prediction tools are inconclusive regarding the impact of this variant on RNA splicing. To our knowledge, RNA studies have not been reported for this variant. This variant has not been reported in individuals affected with TSC1-related disorders in the literature. This variant has been identified in 1/251168 chromosomes in the general population by the Genome Aggregation Database (gnomAD). The available evidence is insufficient to determine the role of this variant in disease conclusively. Therefore, this variant is classified as a Variant of Uncertain Significance.

This study involves interpretation of variants in research participants for the purpose of population health screening. Participant phenotype was not available at the time of variant classification. Additional details can be found in publication PMID: 35346344, PMCID: PMC8962531

Color Diagnostics, LLC DBA Color Health
Classification: Uncertain significance for Tuberous sclerosis syndrome. Last evaluated: 2023-09-28. Review status: criteria provided, single submitter. Criteria: ACMG Guidelines, 2015. Collection method: clinical testing. Allele origin: germline.
Comment: This variant causes an A to G nucleotide substitution at the +3 position of intron 19 of the TSC1 gene. Splice site prediction tools are inconclusive regarding the impact of this variant on RNA splicing. To our knowledge, RNA studies have not been reported for this variant. This variant has not been reported in individuals affected with TSC1-related disorders in the literature. This variant has been identified in 1/251168 chromosomes in the general population by the Genome Aggregation Database (gnomAD). The available evidence is insufficient to determine the role of this variant in disease conclusively. Therefore, this variant is classified as a Variant of Uncertain Significance.

Literature cited by the submitters: PubMed 17576681 (cited by Labcorp Genetics (formerly Invitae), Labcorp); PubMed 9536098 (cited by Labcorp Genetics (formerly Invitae), Labcorp).

NM_000368.5(TSC1):c.2502+3A>G

Gene: TSC1 (TSC complex subunit 1; minus strand). Cytogenetic location: 9q34.13.
Variant type: single nucleotide variant.
Coding change: c.2502+3A>G on transcript NM_000368.5 (MANE Select); 3 bases into the intron after coding-DNA position 2502, A replaced by G.
Molecular consequence: intron variant.
Genome position (GRCh38, 1-based): chr9:132,901,586, T>C on the plus strand (A>G on the coding strand, the complement: TSC1 is on the minus strand). VCF-style: chr9-132901586-T-C. GRCh37 (hg19) VCF-style: chr9-135776973-T-C.
Other names: c.2139+3A>G (NM_001362177.2); c.2349+3A>G (NM_001162427.2); c.2499+3A>G (NM_001162426.2).
Identifiers: ClinVar variation 850414 (VCV000850414.13), dbSNP rs1349115830, ClinGen allele CA591048172.
Genomic context (GRCh38, chr9:132,901,586, plus strand): 5'-CTGAAGGAAGAATGTTAGCAAATGGTGTTTCAGCAGATTCAGGTCTGCCTCATTTCTTCT[T>C]ACCTTTTGGGAAACCTGACTGAGCAGCAGCTCAGTGTGACACACCTTGTTGTTGGCCTTC-3'